The following is an entry in ClinVar:

ClinVar aggregate classification (germline): Uncertain significance (1 of 4 stars; one submission).

Allele frequency attached by ClinVar (database versions not stated): TOPMed 0.00001; gnomAD 0.00001.
gnomAD v4.1: 2 of 152,124 alleles (0.0013%); highest among the groups gnomAD compares: African/African-American, 0.0048%; no homozygotes.

Submission:

Labcorp Genetics (formerly Invitae), Labcorp
Classification: Uncertain significance. Last evaluated: 2021-12-09. Review status: criteria provided, single submitter. Criteria: Invitae Variant Classification Sherloc (09022015). Collection method: clinical testing. Allele origin: germline.
Comment: This variant occurs in a non-coding region of the EYS gene. It does not change the encoded amino acid sequence of the EYS protein. This variant is not present in population databases (gnomAD no frequency). This variant has not been reported in the literature in individuals affected with EYS-related conditions. In summary, the available evidence is currently insufficient to determine the role of this variant in disease. Therefore, it has been classified as a Variant of Uncertain Significance.

NM_001142800.2(EYS):c.-473G>T

Gene: EYS (eyes shut homolog; minus strand). Cytogenetic location: 6q12.
Variant type: single nucleotide variant.
Coding change: c.-473G>T on transcript NM_001142800.2 (MANE Select); 473 bases upstream of the start codon, G replaced by T.
Molecular consequence: 5 prime UTR variant.
Genome position (GRCh38, 1-based): chr6:65,707,160, C>A on the plus strand (G>T on the coding strand, the complement: EYS is on the minus strand). VCF-style: chr6-65707160-C-A. GRCh37 (hg19) VCF-style: chr6-66417053-C-A.
Other names: c.-473G>T (NM_001142801.2, NM_001292009.2).
Identifiers: ClinVar variation 1479890 (VCV001479890.3), dbSNP rs1769910185, ClinGen allele CA1089938918.